The following is an entry in ClinVar:

NM_015450.3(POT1):c.1168G>A (p.Glu390Lys)

Gene: POT1 (protection of telomeres 1; minus strand). Cytogenetic location: 7q31.33.
Variant type: single nucleotide variant.
Coding change: c.1168G>A on transcript NM_015450.3 (MANE Select); coding-DNA position 1168, G replaced by A.
Protein change: p.Glu390Lys; replaces glutamic acid 390 with lysine.
Molecular consequence: missense variant. On other transcripts: non-coding transcript variant (3).
Genome position (GRCh38, 1-based): chr7:124,841,174, C>T on the plus strand (G>A on the coding strand, the complement: POT1 is on the minus strand). VCF-style: chr7-124841174-C-T. GRCh37 (hg19) VCF-style: chr7-124481228-C-T.
Other names: c.775G>A, p.Glu259Lys (NM_001042594.2); short protein forms E390K, E259K.
Identifiers: ClinVar variation 661056 (VCV000661056.13), dbSNP rs769997937, ClinGen allele CA4465195.

ClinVar aggregate classification (germline): Conflicting classifications of pathogenicity. Review status: criteria provided, conflicting classifications (1 of 4 stars). 4 submissions from 4 submitters: Uncertain significance (3); Likely benign (1). Last evaluated 2024-12-23.

Conditions:
Tumor predisposition syndrome 3 (TPDS3). Also called: Melanoma, cutaneous malignant, susceptibility to, 10; Glioma susceptibility 9; LONG TELOMERE SYNDROME, POT1-RELATED; POT1 Tumor Predisposition. Identifiers: Orphanet 618, MedGen C4014476, MONDO:0014368, OMIM 615848.
Hereditary cancer-predisposing syndrome. Also called: Neoplastic Syndromes, Hereditary; Hereditary Cancer Syndrome; Tumor predisposition; Hereditary neoplastic syndrome. Identifiers: Orphanet 140162, MedGen C0027672, MeSH D009386, MONDO:0015356.

Allele frequency attached by ClinVar (database versions not stated): gnomAD 0.00001; gnomAD exomes 0.00003 and 0.00004; ExAC 0.00004.
gnomAD v4.1: 41 of 1,610,110 alleles (0.0025%); highest among the groups gnomAD compares: South Asian, 0.043%; no homozygotes.

Submissions (4):

Labcorp Genetics (formerly Invitae), Labcorp
Classification: Uncertain significance for Tumor predisposition syndrome 3. Last evaluated: 2024-12-23. Review status: criteria provided, single submitter. Criteria: Invitae Variant Classification Sherloc (09022015). Collection method: clinical testing. Allele origin: germline.
Comment: This sequence change replaces glutamic acid, which is acidic and polar, with lysine, which is basic and polar, at codon 390 of the POT1 protein (p.Glu390Lys). This variant is present in population databases (rs769997937, gnomAD 0.03%). This variant has not been reported in the literature in individuals affected with POT1-related conditions. ClinVar contains an entry for this variant (Variation ID: 661056). Invitae Evidence Modeling of protein sequence and biophysical properties (such as structural, functional, and spatial information, amino acid conservation, physicochemical variation, residue mobility, and thermodynamic stability) indicates that this missense variant is not expected to disrupt POT1 protein function with a negative predictive value of 80%. RNA analysis performed to evaluate the impact of this missense change on mRNA splicing indicates it does not significantly alter splicing (internal data). In summary, the available evidence is currently insufficient to determine the role of this variant in disease. Therefore, it has been classified as a Variant of Uncertain Significance.

Quest Diagnostics Nichols Institute San Juan Capistrano
Classification: Uncertain significance. Last evaluated: 2024-07-15. Review status: criteria provided, single submitter. Criteria: Quest Diagnostics criteria. Collection method: clinical testing. Allele origin: unknown.
Comment: The POT1 c.1168G>A (p.Glu390Lys) variant has been reported in the published literature in an individual with melanoma and a reportedly healthy individual (PMID: 36539277 (2022)). The frequency of this variant in the general population, 0.0003 (9/29646 chromosomes in South Asian subpopulation (Genome Aggregation Database)), is higher than would generally be expected for pathogenic variants in this gene. Analysis of this variant using bioinformatics tools for the prediction of the effect of amino acid changes on protein structure and function yielded conflicting predictions that this variant is benign or damaging. Based on the available information, we are unable to determine the clinical significance of this variant.

Blueprint Genetics
Classification: Uncertain significance. Last evaluated: 2024-03-14. Review status: criteria provided, single submitter. Criteria: ACMG Guidelines, 2015. Collection method: clinical testing. Allele origin: germline.

Ambry Genetics
Classification: Likely benign for Hereditary cancer-predisposing syndrome. Last evaluated: 2022-07-12. Review status: criteria provided, single submitter. Criteria: Ambry Variant Classification Scheme 2023. Collection method: clinical testing. Allele origin: germline.

Literature cited by the submitters: PubMed 36539277 (cited by Quest Diagnostics Nichols Institute San Juan Capistrano).